The following is an entry in ClinVar:

ClinVar aggregate classification (germline): Uncertain significance (1 of 4 stars; one submission).

Submission:

GeneDx
Classification: Uncertain significance. Last evaluated: 2022-07-12. Review status: criteria provided, single submitter. Criteria: GeneDx Variant Classification Process June 2021. Collection method: clinical testing. Allele origin: germline. Affected: yes.
Comment: Not observed at significant frequency in large population cohorts (gnomAD); In silico analysis supports that this missense variant does not alter protein structure/function; Has not been previously published as pathogenic or benign to our knowledge

NM_006237.4(POU4F1):c.394G>C (p.Gly132Arg)

Genes: OBI1-AS1 (OBI1 antisense RNA 1; plus strand), POU4F1 (POU class 4 homeobox 1; minus strand). Cytogenetic location: 13q31.1.
Variant type: single nucleotide variant.
Coding change: c.394G>C on transcript NM_006237.4 (MANE Select); coding-DNA position 394, G replaced by C.
Protein change: p.Gly132Arg; replaces glycine 132 with arginine.
Molecular consequence: missense variant.
Genome position (GRCh38, 1-based): chr13:78,602,281, C>G on the plus strand (G>C on the coding strand, the complement: POU4F1 is on the minus strand). VCF-style: chr13-78602281-C-G. GRCh37 (hg19) VCF-style: chr13-79176416-C-G.
Other names: short protein forms G132R.
Identifiers: ClinVar variation 1878732 (VCV001878732.1), dbSNP rs2500897584, ClinGen allele CA388427418.